The following is an entry in ClinVar:

ClinVar aggregate classification (germline): Pathogenic (1 of 4 stars; one submission).

Conditions:
Hereditary cancer-predisposing syndrome. Also called: Neoplastic Syndromes, Hereditary; Tumor predisposition; Hereditary Cancer Syndrome; Hereditary neoplastic syndrome. Identifiers: Orphanet 140162, MedGen C0027672, MeSH D009386, MONDO:0015356.

Submission:

Ambry Genetics
Classification: Pathogenic for Hereditary cancer-predisposing syndrome. Last evaluated: 2025-05-06. Review status: criteria provided, single submitter. Criteria: Ambry Variant Classification Scheme 2023. Collection method: clinical testing. Allele origin: germline.
Comment: The c.1653delC pathogenic mutation, located in coding exon 9 of the BRCA2 gene, results from a deletion of one nucleotide at nucleotide position 1653, causing a translational frameshift with a predicted alternate stop codon (p.S552Pfs*6). This variant is considered to be rare based on population cohorts in the Genome Aggregation Database (gnomAD). This alteration is expected to result in loss of function by premature protein truncation or nonsense-mediated mRNA decay. As such, this alteration is interpreted as a disease-causing mutation.

Literature cited by the submitters: PubMed 12942367.

NM_000059.4(BRCA2):c.1653del (p.Ser552fs)

Gene: BRCA2 (BRCA2 DNA repair associated; plus strand). Cytogenetic location: 13q13.1.
Variant type: Deletion.
Coding change: c.1653del on transcript NM_000059.4 (MANE Select); coding-DNA position 1653, one base deleted (C; older notation c.1653delC).
Protein change: p.Ser552fs; shifts the reading frame from serine 552.
Molecular consequence: frameshift variant.
Genome position (GRCh38, 1-based): chr13:32,333,131, C deleted. VCF-style (leftmost placement, unchanged base first): chr13-32333130-AC-A. GRCh37 (hg19) VCF-style: chr13-32907267-AC-A.
Other names: c.1653delC, p.Ser552Profs (NM_001406719.1, NM_001406720.1, NM_001406721.1); short protein forms S552fs.
Identifiers: ClinVar variation 1777301 (VCV001777301.3), dbSNP rs2548520713, ClinGen allele CA2580087094.